The following is an entry in ClinVar:

NM_016734.3(PAX5):c.692A>G (p.Gln231Arg)

Gene: PAX5 (paired box 5; minus strand). Cytogenetic location: 9p13.2.
Variant type: single nucleotide variant.
Coding change: c.692A>G on transcript NM_016734.3 (MANE Select); coding-DNA position 692, A replaced by G.
Protein change: p.Gln231Arg; replaces glutamine 231 with arginine.
Molecular consequence: missense variant. On other transcripts: non-coding transcript variant (2).
Genome position (GRCh38, 1-based): chr9:36,966,637, T>C on the plus strand (A>G on the coding strand, the complement: PAX5 is on the minus strand). VCF-style: chr9-36966637-T-C. GRCh37 (hg19) VCF-style: chr9-36966634-T-C.
Other names: c.692A>G, p.Gln231Arg (NM_001280547.2, NM_001280548.2, NM_001280549.2 and 2 more transcripts); c.368A>G, p.Gln123Arg (NM_001280551.2, NM_001280556.2); c.563A>G, p.Gln188Arg (NM_001280553.2, NM_001280554.2); c.494A>G, p.Gln165Arg (NM_001280555.2); short protein forms Q123R, Q231R, Q165R, Q188R.
Identifiers: ClinVar variation 4131425 (VCV004131425.1).
Genomic context (GRCh38, chr9:36,966,637, plus strand): 5'-GTGAAGATGTCTGAGTAGTGCTGCCTCTCAAACACGCGGTCCAGCACCTCCAGCTGCTGC[T>C]GTGTGAACAAGTCTCCCCGCATCTGCTTCCGGAGGAAGTCTCTGCCCGGAAGCGAGTGGC-3'
Protein context (NP_057953.1, residues 221-241): RKQMRGDLFT[Gln231Arg]QQLEVLDRVF

ClinVar aggregate classification (germline): Uncertain significance (1 of 4 stars; one submission).

Conditions:
Inborn genetic diseases. Identifiers: MedGen C0950123, MeSH D030342.

gnomAD v4.1: 3 of 1,614,236 alleles (0.00019%); highest among the groups gnomAD compares: Non-Finnish European, 0.00025%; no homozygotes.

Submission:

Ambry Genetics
Classification: Uncertain significance for Inborn genetic diseases. Last evaluated: 2025-08-08. Review status: criteria provided, single submitter. Criteria: Ambry Variant Classification Scheme 2023. Collection method: clinical testing. Allele origin: germline.
Comment: The p.Q231R variant (also known as c.692A>G), located in coding exon 6 of the PAX5 gene, results from an A to G substitution at nucleotide position 692. The glutamine at codon 231 is replaced by arginine, an amino acid with highly similar properties. This amino acid position is conserved. In addition, this alteration is predicted to be deleterious by in silico analysis. Based on the available evidence, the clinical significance of this variant remains unclear.